The following is an entry in ClinVar:

NM_000419.5(ITGA2B):c.2946G>A (p.Val982=)

Gene: ITGA2B (integrin subunit alpha 2b; minus strand). Cytogenetic location: 17q21.31.
Variant type: single nucleotide variant.
Coding change: c.2946G>A on transcript NM_000419.5 (MANE Select); coding-DNA position 2946, G replaced by A.
Protein change: p.Val982=; no amino-acid change (valine 982 retained).
Molecular consequence: synonymous variant.
Genome position (GRCh38, 1-based): chr17:44,374,468, C>T on the plus strand (G>A on the coding strand, the complement: ITGA2B is on the minus strand). VCF-style: chr17-44374468-C-T. GRCh37 (hg19) VCF-style: chr17-42451836-C-T.
Other names: NM_000419.5(ITGA2B):c.2946G>A; p.Val982=.
Identifiers: ClinVar variation 1803209 (VCV001803209.8), dbSNP rs148263909, ClinGen allele CA8602501.
Genomic context (GRCh38, chr17:44,374,468, plus strand): 5'-CACCAGCACCCACCAGATTGGAATGGCCCTCTCCTCCAAGGCCCGGAGCAGCTGTGTCCA[C>T]ACCTGGGGGCAAACCCACGTGTCTCCTCAGTCACCTTGACACCTGCCTTTCACAAAGACT-3'
Protein context (NP_000410.2, residues 972-992): PLSLPRGEAQ[Val982=]WTQLLRALEE

ClinVar aggregate classification (germline): Likely benign. Review status: reviewed by expert panel (3 of 4 stars). 3 submissions from 3 submitters: Likely benign (1). 2 of the submissions do not count toward it. Last evaluated 2023-12-19.

Conditions:
Glanzmann thrombasthenia 1 (GT1). Also called: BLEEDING DISORDER, PLATELET-TYPE, 2; GP IIb-IIIa COMPLEX DEFICIENCY; GLYCOPROTEIN COMPLEX IIb-IIIa DEFICIENCY; PLATELET FIBRINOGEN RECEPTOR DEFICIENCY. Identifiers: MedGen CN300358, MONDO:0031332, OMIM 273800.
Glanzmann thrombasthenia. Also called: Thrombasthenia; Glanzmann's thrombasthenia; PLATELET GLYCOPROTEIN IIb-IIIa DEFICIENCY; THROMBASTHENIA OF GLANZMANN AND NAEGELI. Identifiers: Orphanet 849, MedGen C0040015, MONDO:0100326.

Allele frequency attached by ClinVar (database versions not stated): TOPMed 0.00005; gnomAD 0.00006; ESP Exome Variant Server 0.00015; gnomAD exomes 0.00001; ExAC 0.00002.
gnomAD v4.1: 28 of 1,613,880 alleles (0.0017%); highest among the groups gnomAD compares: African/African-American, 0.027%; 1 homozygote.

Submissions (3):

ClinGen Platelet Disorders Variant Curation Expert Panel, ClinGen
Classification: Likely benign for Glanzmann thrombasthenia. Last evaluated: 2023-12-19. Review status: reviewed by expert panel. Criteria: ClinGen Platelet ACMG Specifications v2-1. Collection method: curation. Allele origin: germline. Inheritance: Autosomal recessive inheritance.
Comment: The c.2946G>A (p.Val982=) variant is a synonymous variant that is not predicted by SpliceAI to impact splicing and the nucleotide is only moderately conserved, as shown by phyloP score of 0.703 (BP4, BP7). The highest population minor allele frequency in gnomAD v3.1.2 is 0.0001448 (6/41436 alleles) in the African/African American population. This intermediate allele frequency is lower than the ClinGen PD VCEP threshold (>0.00158) for BS1 but higher than the threshold (<0.0001) for PM2_Supporting, so no allele frequency criteria were met. In addition, no cases of the variant segregating with Glanzmann thrombasthenia were found in the literature. In summary, this variant meets the criteria to be classified as Likely Benign for autosomal recessive Glanzmann Thrombasthenia with the following ACMG/AMP applied, as specified by the ClinGen PD VCEP: BP4, BP7 (VCEP specifications version 2.1)

Labcorp Genetics (formerly Invitae), Labcorp
Classification: Likely benign for Glanzmann thrombasthenia. Last evaluated: 2022-06-20. Review status: criteria provided, single submitter. Criteria: Invitae Variant Classification Sherloc (09022015). Collection method: clinical testing. Allele origin: germline. Not counted in ClinVar's aggregate classification.

Genetics and Molecular Pathology, SA Pathology
Classification: Uncertain significance for Glanzmann thrombasthenia 1. Last evaluated: 2020-07-24. Review status: criteria provided, single submitter. Criteria: ACMG Guidelines, 2015. Collection method: clinical testing. Allele origin: germline. Inheritance: Autosomal recessive inheritance. Affected: yes. Not counted in ClinVar's aggregate classification.